The following is an entry in ClinVar:

NM_014495.4(ANGPTL3):c.575del (p.Gln192fs)

Genes: ANGPTL3 (angiopoietin like 3; plus strand), DOCK7 (dedicator of cytokinesis 7; minus strand). Cytogenetic location: 1p31.3.
Variant type: Deletion.
Coding change: c.575del on transcript NM_014495.4 (MANE Select); coding-DNA position 575, one base deleted (A; older notation c.575delA).
Protein change: p.Gln192fs; shifts the reading frame from glutamine 192.
Molecular consequence: frameshift variant. On other transcripts: intron variant (7).
Genome position (GRCh38, 1-based): chr1:62,598,775, A deleted. VCF-style (leftmost placement, unchanged base first): chr1-62598774-CA-C. GRCh37 (hg19) VCF-style: chr1-63064445-CA-C.
Other names: c.1683-12151del (NM_001271999.2, NM_001330614.2, NM_001367561.1 and 4 more transcripts); short protein forms Q192fs.
Identifiers: ClinVar variation 1031836 (VCV001031836.11), dbSNP rs577189349, ClinGen allele CA886623.

ClinVar aggregate classification (germline): Pathogenic. Review status: criteria provided, multiple submitters, no conflicts (2 of 4 stars). 2 submissions from 2 submitters: Pathogenic (2). Last evaluated 2025-09-17.

Allele frequency attached by ClinVar (database versions not stated): TOPMed 0.00040; gnomAD exomes 0.00012 and 0.00003; ExAC 0.00017; gnomAD 0.00040 and 0.00041; 1000 Genomes Project 30x 0.00062; 1000 Genomes Project 0.00060; ESP Exome Variant Server 0.00072.

Submissions (2):

Labcorp Genetics (formerly Invitae), Labcorp
Classification: Pathogenic. Last evaluated: 2025-09-17. Review status: criteria provided, single submitter. Criteria: Invitae Variant Classification Sherloc (09022015). Collection method: clinical testing. Allele origin: germline.
Comment: This sequence change creates a premature translational stop signal (p.Gln192Argfs*5) in the ANGPTL3 gene. It is expected to result in an absent or disrupted protein product. Loss-of-function variants in ANGPTL3 are known to be pathogenic (PMID: 22247256, 24058201). This variant is present in population databases (rs577189349, gnomAD 0.2%). This premature translational stop signal has been observed in individual(s) with coronary artery disease (PMID: 28385496). ClinVar contains an entry for this variant (Variation ID: 1031836). For these reasons, this variant has been classified as Pathogenic.

Dasa
Classification: Pathogenic. Last evaluated: 2024-10-29. Review status: criteria provided, single submitter. Criteria: DASA Assertion Criteria. Collection method: clinical testing. Allele origin: germline.
Comment: NM_014495.4(ANGPTL3):c.575del (p.Gln192Argfs*5) introduces a premature termination codon predicted to result in loss of normal protein function. Loss-of-function is an established mechanism of disease for this gene. This variant has been reported in an affected individual with related phenotype in a genotype context consistent with recessive disease (PMID: 28385496). The variant is present at low frequency in population datasets. Based on the available data, this variant is classified as pathogenic.

Literature cited by the submitters: PubMed 22247256 (cited by Labcorp Genetics (formerly Invitae), Labcorp); PubMed 24058201 (cited by Labcorp Genetics (formerly Invitae), Labcorp); PubMed 28385496 (cited by Labcorp Genetics (formerly Invitae), Labcorp and Dasa).